The following is an entry in ClinVar:

NM_031942.5(CDCA7):c.400C>T (p.Arg134Trp)

Gene: CDCA7 (cell division cycle associated 7; plus strand). Cytogenetic location: 2q31.1.
Variant type: single nucleotide variant.
Coding change: c.400C>T on transcript NM_031942.5 (MANE Select); coding-DNA position 400, C replaced by T.
Protein change: p.Arg134Trp; replaces arginine 134 with tryptophan.
Molecular consequence: missense variant.
Genome position (GRCh38, 1-based): chr2:173,363,241, C>T. VCF-style: chr2-173363241-C-T. GRCh37 (hg19) VCF-style: chr2-174227969-C-T.
Other names: c.163C>T, p.Arg55Trp (NM_145810.3); c.400C>T (NM_031942.4); short protein forms R134W, R55W.
Identifiers: ClinVar variation 1911894 (VCV001911894.3), dbSNP rs540792604, ClinGen allele CA1971232.
Genomic context (GRCh38, chr2:173,363,241, plus strand): 5'-GCTTGTCTGCTGATCAAGTCCTAATGACTCAATTGTTGTGATTAGAGGCTGCAGTCAGTT[C>T]GGGAAGGCTGTAGGACCCGCAGCCAGTGCAGGCACTCTGGACCTCTCAGGGTGGCGATGA-3'
Protein context (NP_114148.3, residues 124-144): IQDGMRLQSV[Arg134Trp]EGCRTRSQCR

ClinVar aggregate classification (germline): Uncertain significance. Review status: criteria provided, multiple submitters, no conflicts (2 of 4 stars). 2 submissions from 2 submitters: Uncertain significance (2). Last evaluated 2024-10-20.

Allele frequency attached by ClinVar (database versions not stated): gnomAD 0.00002; TOPMed 0.00003; ExAC 0.00004; 1000 Genomes Project 30x 0.00016; 1000 Genomes Project 0.00020.

Submissions (2):

Ambry Genetics
Classification: Uncertain significance. Last evaluated: 2024-10-20. Review status: criteria provided, single submitter. Criteria: Ambry Variant Classification Scheme 2023. Collection method: clinical testing. Allele origin: germline.

Labcorp Genetics (formerly Invitae), Labcorp
Classification: Uncertain significance. Last evaluated: 2022-08-06. Review status: criteria provided, single submitter. Criteria: Invitae Variant Classification Sherloc (09022015). Collection method: clinical testing. Allele origin: germline.
Comment: This sequence change replaces arginine, which is basic and polar, with tryptophan, which is neutral and slightly polar, at codon 134 of the CDCA7 protein (p.Arg134Trp). This variant is present in population databases (rs540792604, gnomAD 0.007%). This variant has not been reported in the literature in individuals affected with CDCA7-related conditions. Algorithms developed to predict the effect of missense changes on protein structure and function are either unavailable or do not agree on the potential impact of this missense change (SIFT: "Deleterious"; PolyPhen-2: "Possibly Damaging"; Align-GVGD: "Class C0"). In summary, the available evidence is currently insufficient to determine the role of this variant in disease. Therefore, it has been classified as a Variant of Uncertain Significance.